The following is an entry in ClinVar:

ClinVar aggregate classification (germline): Likely benign. Review status: criteria provided, multiple submitters, no conflicts (2 of 4 stars). 3 submissions from 3 submitters: Likely benign (3). Last evaluated 2025-09-11.

Conditions:
Cardiovascular phenotype. Identifiers: MedGen CN230736.
Dilated cardiomyopathy 1KK (CMD1KK). Identifiers: Orphanet 154, Orphanet 75249, MedGen C3714995, MONDO:0014100, OMIM 615248.

Allele frequency attached by ClinVar (database versions not stated): ExAC 0.00001; TOPMed 0.00002; gnomAD exomes 0.00003.
gnomAD v4.1: 13 of 1,612,350 alleles (0.00081%); highest among the groups gnomAD compares: Admixed American, 0.012%; no homozygotes.

Submissions (3):

Labcorp Genetics (formerly Invitae), Labcorp
Classification: Likely benign for Dilated cardiomyopathy 1KK. Last evaluated: 2025-09-11. Review status: criteria provided, single submitter. Criteria: Invitae Variant Classification Sherloc (09022015). Collection method: clinical testing. Allele origin: germline.

Ambry Genetics
Classification: Likely benign for Cardiovascular phenotype. Last evaluated: 2024-12-14. Review status: criteria provided, single submitter. Criteria: Ambry Variant Classification Scheme 2023. Collection method: clinical testing. Allele origin: germline.

GeneDx
Classification: Likely benign. Last evaluated: 2017-11-29. Review status: criteria provided, single submitter. Criteria: GeneDx Variant Classification (06012015). Collection method: clinical testing. Allele origin: germline. Affected: yes.
Comment: This variant is considered likely benign or benign based on one or more of the following criteria: it is a conservative change, it occurs at a poorly conserved position in the protein, it is predicted to be benign by multiple in silico algorithms, and/or has population frequency not consistent with disease.

NM_032578.4(MYPN):c.714G>A (p.Ala238=)

Gene: MYPN (myopalladin; plus strand). Cytogenetic location: 10q21.3.
Variant type: single nucleotide variant.
Coding change: c.714G>A on transcript NM_032578.4 (MANE Select); coding-DNA position 714, G replaced by A.
Protein change: p.Ala238=; no amino-acid change (alanine 238 retained).
Molecular consequence: synonymous variant. On other transcripts: 5 prime UTR variant (1), non-coding transcript variant (1).
Genome position (GRCh38, 1-based): chr10:68,122,152, G>A. VCF-style: chr10-68122152-G-A. GRCh37 (hg19) VCF-style: chr10-69881909-G-A.
Other names: c.714G>A, p.Ala238= (NM_001256267.2); c.-409G>A (NM_001256268.2); c.714G>A (NM_032578.2).
Identifiers: ClinVar variation 513710 (VCV000513710.10), dbSNP rs757661676, ClinGen allele CA5522315.